The following is an entry in ClinVar:

NM_000545.8(HNF1A):c.978G>A (p.Ala326=)

Gene: HNF1A (HNF1 homeobox A; plus strand). Cytogenetic location: 12q24.31.
Variant type: single nucleotide variant.
Coding change: c.978G>A on transcript NM_000545.8 (MANE Select); coding-DNA position 978, G replaced by A.
Protein change: p.Ala326=; no amino-acid change (alanine 326 retained).
Molecular consequence: synonymous variant.
Genome position (GRCh38, 1-based): chr12:120,996,284, G>A. VCF-style: chr12-120996284-G-A. GRCh37 (hg19) VCF-style: chr12-121434087-G-A.
Other names: c.978G>A, p.Ala326= (NM_001306179.2); c.978G>A (NM_000545.6).
Identifiers: ClinVar variation 994815 (VCV000994815.14), dbSNP rs200351196, ClinGen allele CA6831899.

ClinVar aggregate classification (germline): Benign/Likely benign. Review status: criteria provided, multiple submitters, no conflicts (2 of 4 stars). 5 submissions from 5 submitters: Benign (2); Likely benign (3). Last evaluated 2025-12-16.

Conditions:
Maturity-onset diabetes of the young (MODY). Also called: Maturity onset diabetes mellitus in young. Identifiers: Orphanet 552, MedGen C0342276, MONDO:0018911, HP:0004904.
HNF1A-related disorder. Also called: HNF1A-related condition.

Allele frequency attached by ClinVar (database versions not stated): gnomAD 0.00002 and 0.00003; TOPMed 0.00002; ExAC 0.00004; gnomAD exomes 0.00004 and 0.00007; 1000 Genomes Project 30x 0.00016; 1000 Genomes Project 0.00020.
gnomAD v4.1: 59 of 1,614,102 alleles (0.0037%); highest among the groups gnomAD compares: Admixed American, 0.01%; no homozygotes.

Submissions (5):

Labcorp Genetics (formerly Invitae), Labcorp
Classification: Likely benign. Last evaluated: 2025-12-16. Review status: criteria provided, single submitter. Criteria: Invitae Variant Classification Sherloc (09022015). Collection method: clinical testing. Allele origin: germline.

PreventionGenetics, part of Exact Sciences
Classification: Likely benign for HNF1A-related condition. Last evaluated: 2025-05-05. Review status: criteria provided, single submitter. Criteria: ACMG Guidelines, 2015. Collection method: clinical testing. Allele origin: germline.
Comment: This variant is classified as likely benign based on ACMG/AMP sequence variant interpretation guidelines (Richards et al. 2015 PMID: 25741868, with internal and published modifications).

Athena Diagnostics
Classification: Benign. Last evaluated: 2024-12-17. Review status: criteria provided, single submitter. Criteria: Athena Diagnostics Criteria. Collection method: clinical testing. Allele origin: unknown.
Comment: The frequency of this variant in the general population is higher than would generally be expected for pathogenic variants in this gene. Computational tools yielded predictions that this variant is unlikely to have an effect on normal RNA splicing. This nucleotide position exhibits low evolutionary conservation. This variant has been seen where an alternate explanation for disease was also identified.

Ambry Genetics
Classification: Likely benign for Maturity-onset diabetes of the young. Last evaluated: 2022-06-12. Review status: criteria provided, single submitter. Criteria: Ambry Variant Classification Scheme 2023. Collection method: clinical testing. Allele origin: germline.

Clinical Genomics, Uppaluri K&H Personalized Medicine Clinic
Classification: Benign for Maturity-onset diabetes of the young. Review status: criteria provided, single submitter. Criteria: K & H Uppaluri Personalized Medicine Clinic Variant Classification & Assertion Criteria_Updated V.1. Collection method: research. Allele origin: unknown. Inheritance: Autosomal dominant inheritance.
Comment: Mutations in HNF1A gene can predispose to MODY3. It is associated with both micro and macrovascular complications of diabetes, especially cardiovascular complications. Associated with glucosuria. May respond well to sulfonylureas. However, more evidence is required to confer the association of this particular variant rs200351196 with MODY3.

Literature cited by the submitters: PubMed 31517624 (cited by Clinical Genomics, Uppaluri K&H Personalized Medicine Clinic); PubMed 32395877 (cited by Clinical Genomics, Uppaluri K&H Personalized Medicine Clinic); PubMed 35328643 (cited by Clinical Genomics, Uppaluri K&H Personalized Medicine Clinic); PubMed 35673428 (cited by Clinical Genomics, Uppaluri K&H Personalized Medicine Clinic).